The following is an entry in ClinVar:

ClinVar aggregate classification (germline): Uncertain significance (1 of 4 stars; one submission).

Conditions:
Primary ciliary dyskinesia. Also called: Ciliary dyskinesia. Identifiers: Orphanet 244, MedGen C0008780, MONDO:0016575, HP:0012265.

Allele frequency attached by ClinVar (database versions not stated): gnomAD 0.00001; gnomAD exomes below 0.00001; TOPMed below 0.00001.
gnomAD v4.1: 2 of 1,613,452 alleles (0.00012%); highest among the groups gnomAD compares: Non-Finnish European, 0.00017%; no homozygotes.

Submission:

Ambry Genetics
Classification: Uncertain significance for Primary ciliary dyskinesia. Last evaluated: 2017-08-16. Review status: criteria provided, single submitter. Criteria: Ambry Variant Classification Scheme 2023. Collection method: clinical testing. Allele origin: germline.
Comment: The p.P265S variant (also known as c.793C>T), located in coding exon 6 of the DNAI2 gene, results from a C to T substitution at nucleotide position 793. The proline at codon 265 is replaced by serine, an amino acid with similar properties. This amino acid position is highly conserved in available vertebrate species. In addition, this alteration is predicted to be deleterious by in silico analysis. Since supporting evidence is limited at this time, the clinical significance of this alteration remains unclear.

NM_023036.6(DNAI2):c.793C>T (p.Pro265Ser)

Gene: DNAI2 (dynein axonemal intermediate chain 2; plus strand). Cytogenetic location: 17q25.1.
Variant type: single nucleotide variant.
Coding change: c.793C>T on transcript NM_023036.6 (MANE Select); coding-DNA position 793, C replaced by T.
Protein change: p.Pro265Ser; replaces proline 265 with serine.
Molecular consequence: missense variant. On other transcripts: non-coding transcript variant (1).
Genome position (GRCh38, 1-based): chr17:74,299,786, C>T. VCF-style: chr17-74299786-C-T. GRCh37 (hg19) VCF-style: chr17-72295925-C-T.
Other names: c.793C>T, p.Pro265Ser (NM_001172810.3, NM_001353167.2); short protein forms P265S.
Identifiers: ClinVar variation 1761312 (VCV001761312.2), dbSNP rs1264727730, ClinGen allele CA400908604.